The following is an entry in ClinVar:

ClinVar aggregate classification (germline): Uncertain significance. Review status: criteria provided, multiple submitters, no conflicts (2 of 4 stars). 2 submissions from 2 submitters: Uncertain significance (2). Last evaluated 2025-12-04.

Conditions:
SETD1B-related disorder. Also called: SETD1B-related condition.

Submissions (2):

PreventionGenetics, part of Exact Sciences
Classification: Uncertain significance for SETD1B-related condition. Last evaluated: 2025-12-04. Review status: criteria provided, single submitter. Criteria: ACMG Guidelines, 2015. Collection method: clinical testing. Allele origin: germline.
Comment: The SETD1B c.4867C>A variant is predicted to result in the amino acid substitution p.Arg1623Ser. To our knowledge, this variant has not been reported in the literature. This variant is reported in 0.0041% of alleles in individuals of Latino descent in gnomAD. At this time, the clinical significance of this variant is uncertain due to the absence of conclusive functional and genetic evidence.

Women's Health and Genetics/Laboratory Corporation of America, LabCorp
Classification: Uncertain significance. Last evaluated: 2024-07-08. Review status: criteria provided, single submitter. Criteria: LabCorp Variant Classification Summary - May 2015. Collection method: clinical testing. Allele origin: germline.
Comment: Variant summary: SETD1B c.4867C>A (p.Arg1623Ser) results in a non-conservative amino acid change in the encoded protein sequence. Two of four in-silico tools predict a benign effect of the variant on protein function. The variant allele was found at a frequency of 6.6e-06 in 150736 control chromosomes. The available data on variant occurrences in the general population are insufficient to allow any conclusion about variant significance. To our knowledge, no occurrence of c.4867C>A in individuals affected with Intellectual Developmental Disorder With Seizures And Language Delay and no experimental evidence demonstrating its impact on protein function have been reported. No submitters have cited clinical-significance assessments for this variant to ClinVar. Based on the evidence outlined above, the variant was classified as uncertain significance.

NM_001353345.2(SETD1B):c.4867C>A (p.Arg1623Ser)

Gene: SETD1B (SET domain containing 1B, histone lysine methyltransferase; plus strand). Cytogenetic location: 12q24.31.
Variant type: single nucleotide variant.
Coding change: c.4867C>A on transcript NM_001353345.2 (MANE Select); coding-DNA position 4867, C replaced by A.
Protein change: p.Arg1623Ser; replaces arginine 1623 with serine.
Molecular consequence: missense variant.
Genome position (GRCh38, 1-based): chr12:121,823,446, C>A. VCF-style: chr12-121823446-C-A. GRCh37 (hg19) VCF-style: chr12-122261352-C-A.
Other names: c.4867C>A (NM_001353345.1); short protein forms R1623S.
Identifiers: ClinVar variation 3339070 (VCV003339070.2).
Genomic context (GRCh38, chr12:121,823,446, plus strand): 5'-AAGCTGCCCTTTAAGGAGCTAGACAACCAGTGGCCCTCCGAGGCCATTCCTCCGGGCCCC[C>A]GTGGGCGCGATGAGGTCACTGAGGAATACATGGAGTTGGCCAAGAGCCGGGGGCCGTGGC-3'
Protein context (NP_001340274.1, residues 1613-1633): WPSEAIPPGP[Arg1623Ser]GRDEVTEEYM